The following is an entry in ClinVar:

NM_002473.6(MYH9):c.269C>T (p.Thr90Met)

Gene: MYH9 (myosin heavy chain 9; minus strand). Cytogenetic location: 22q12.3.
Variant type: single nucleotide variant.
Coding change: c.269C>T on transcript NM_002473.6 (MANE Select); coding-DNA position 269, C replaced by T.
Protein change: p.Thr90Met; replaces threonine 90 with methionine.
Molecular consequence: missense variant.
Genome position (GRCh38, 1-based): chr22:36,348,968, G>A on the plus strand (C>T on the coding strand, the complement: MYH9 is on the minus strand). VCF-style: chr22-36348968-G-A. GRCh37 (hg19) VCF-style: chr22-36745013-G-A.
Other names: short protein forms T90M.
Identifiers: ClinVar variation 3719405 (VCV003719405.2).

ClinVar aggregate classification (germline): Uncertain significance (1 of 4 stars; one submission).

gnomAD v4.1: 6 of 1,614,212 alleles (0.00037%); highest among the groups gnomAD compares: Non-Finnish European, 0.00051%; no homozygotes.

Submission:

Labcorp Genetics (formerly Invitae), Labcorp
Classification: Uncertain significance. Last evaluated: 2024-10-21. Review status: criteria provided, single submitter. Criteria: Invitae Variant Classification Sherloc (09022015). Collection method: clinical testing. Allele origin: germline.
Comment: This sequence change replaces threonine, which is neutral and polar, with methionine, which is neutral and non-polar, at codon 90 of the MYH9 protein (p.Thr90Met). This variant is not present in population databases (gnomAD no frequency). This variant has not been reported in the literature in individuals affected with MYH9-related conditions. Invitae Evidence Modeling of protein sequence and biophysical properties (such as structural, functional, and spatial information, amino acid conservation, physicochemical variation, residue mobility, and thermodynamic stability) has been performed for this missense variant. However, the output from this modeling did not meet the statistical confidence thresholds required to predict the impact of this variant on MYH9 protein function. In summary, the available evidence is currently insufficient to determine the role of this variant in disease. Therefore, it has been classified as a Variant of Uncertain Significance.